The following is an entry in ClinVar:

ClinVar aggregate classification (germline): Uncertain significance (1 of 4 stars; one submission).

Submission:

Labcorp Genetics (formerly Invitae), Labcorp
Classification: Uncertain significance. Last evaluated: 2022-04-06. Review status: criteria provided, single submitter. Criteria: Invitae Variant Classification Sherloc (09022015). Collection method: clinical testing. Allele origin: germline.
Comment: This sequence change replaces threonine, which is neutral and polar, with alanine, which is neutral and non-polar, at codon 4179 of the HMCN1 protein (p.Thr4179Ala). In summary, the available evidence is currently insufficient to determine the role of this variant in disease. Therefore, it has been classified as a Variant of Uncertain Significance. Algorithms developed to predict the effect of missense changes on protein structure and function are either unavailable or do not agree on the potential impact of this missense change (SIFT: "Tolerated"; PolyPhen-2: "Probably Damaging"; Align-GVGD: "Class C0"). This variant has not been reported in the literature in individuals affected with HMCN1-related conditions. This variant is not present in population databases (gnomAD no frequency).

NM_031935.3(HMCN1):c.12535A>G (p.Thr4179Ala)

Gene: HMCN1 (hemicentin 1; plus strand). Cytogenetic location: 1q31.1.
Variant type: single nucleotide variant.
Coding change: c.12535A>G on transcript NM_031935.3 (MANE Select); coding-DNA position 12535, A replaced by G.
Protein change: p.Thr4179Ala; replaces threonine 4179 with alanine.
Molecular consequence: missense variant.
Genome position (GRCh38, 1-based): chr1:186,125,639, A>G. VCF-style: chr1-186125639-A-G. GRCh37 (hg19) VCF-style: chr1-186094771-A-G.
Other names: short protein forms T4179A.
Identifiers: ClinVar variation 2062039 (VCV002062039.4), dbSNP rs1661604747, ClinGen allele CA343903852.
Genomic context (GRCh38, chr1:186,125,639, plus strand): 5'-TGACTCTTTTTTAAACTCTTCATAGTACCACCCAGGATCAGAAGTACAGAAGGACACTAC[A>G]CGGTCAATGAGAATTCACAAGCCATTCTTCCATGCGTAGCTGATGGAATCCCCACACCAG-3'
Protein context (NP_114141.2, residues 4169-4189): PRIRSTEGHY[Thr4179Ala]VNENSQAILP